The following is an entry in ClinVar:

NM_005391.5(PDK3):c.597del (p.Asp199fs)

Gene: PDK3 (pyruvate dehydrogenase kinase 3; plus strand). Cytogenetic location: Xp22.11.
Variant type: Deletion.
Coding change: c.597del on transcript NM_005391.5 (MANE Select); coding-DNA position 597, one base deleted (T; older notation c.597delT).
Protein change: p.Asp199fs; shifts the reading frame from aspartic acid 199.
Molecular consequence: frameshift variant.
Genome position (GRCh38, 1-based): chrX:24,518,934, T deleted. VCF-style (leftmost placement, unchanged base first): chrX-24518933-AT-A. GRCh37 (hg19) VCF-style: chrX-24537050-AT-A.
Other names: c.597del, p.Asp199fs (NM_001142386.3); short protein forms D199fs.
Identifiers: ClinVar variation 566615 (VCV000566615.6), dbSNP rs1569225940, ClinGen allele CA891844252.

ClinVar aggregate classification (germline): Uncertain significance (1 of 4 stars; one submission).

Conditions:
Charcot-Marie-Tooth disease X-linked dominant 6. Also called: CHARCOT-MARIE-TOOTH NEUROPATHY, X-LINKED DOMINANT, 6. Identifiers: Orphanet 352675, MedGen C3806702, MONDO:0010479, OMIM 300905.

Allele frequency attached by ClinVar (database versions not stated): gnomAD exomes below 0.00001.

Submission:

Labcorp Genetics (formerly Invitae), Labcorp
Classification: Uncertain significance for Charcot-Marie-Tooth disease X-linked dominant 6. Last evaluated: 2018-02-07. Review status: criteria provided, single submitter. Criteria: Invitae Variant Classification Sherloc (09022015). Collection method: clinical testing. Allele origin: germline.
Comment: In summary, the available evidence is currently insufficient to determine the role of this variant in disease. Therefore, it has been classified as a Variant of Uncertain Significance. The current clinical and genetic evidence is not sufficient to establish whether loss-of-function variants in PDK3 cause disease. Algorithms developed to predict the effect of sequence changes on RNA splicing suggest that this variant may create or strengthen a splice site, but this prediction has not been confirmed by published transcriptional studies. This variant has not been reported in the literature in individuals with PDK3-related disease. This variant is not present in population databases (ExAC no frequency). This sequence change creates a premature translational stop signal (p.Asp199Glufs*16) in the PDK3 gene. It is expected to result in an absent or disrupted protein product.